The following is an entry in ClinVar:

ClinVar aggregate classification (germline): Uncertain significance (1 of 4 stars; one submission).

Conditions:
Wiskott-Aldrich syndrome (WAS). Also called: ALDRICH SYNDROME; IMMUNODEFICIENCY 2; Wiskott-aldrich syndrome, somatic; WISKOTT-ALDRICH SYNDROME 1. Identifiers: Orphanet 906, MedGen C0043194, MONDO:0010518, OMIM 301000.

Submission:

Neuberg Centre For Genomic Medicine, NCGM
Classification: Uncertain significance for Wiskott-Aldrich syndrome. Last evaluated: 2023-05-20. Review status: criteria provided, single submitter. Criteria: ACMG Guidelines, 2015. Collection method: clinical testing. Allele origin: germline. Inheritance: X-linked recessive inheritance. Affected: yes.
Comment: The observed missense c.680G>A(p.Arg227His) variant in WAS gene has not been reported previously as a pathogenic variant nor a benign variant, to our knowledge. The p.Arg227His variant has been reported with allele frequency of 0.0006% in gnomAD Exomes. This variant has not been submitted to the ClinVar database. Multiple lines of computational evidences (Polyphen - Probably damaging, SIFT - Damaging and MutationTaster - Polymorphism) predict conflicting evidence on protein structure and function for this variant. The reference amino acid is predicted as conserved by GERP++ and PhyloP across 100 vertebrates. The amino acid Arg at position 227 is changed to a His changing protein sequence and it might alter its composition and physico-chemical properties. For these reasons, this variant has been classified as a Variant of Uncertain Significance (VUS).

NM_000377.3(WAS):c.680G>A (p.Arg227His)

Gene: WAS (WASP actin nucleation promoting factor; plus strand). Cytogenetic location: Xp11.23.
Variant type: single nucleotide variant.
Coding change: c.680G>A on transcript NM_000377.3 (MANE Select); coding-DNA position 680, G replaced by A.
Protein change: p.Arg227His; replaces arginine 227 with histidine.
Molecular consequence: missense variant.
Genome position (GRCh38, 1-based): chrX:48,686,901, G>A. VCF-style: chrX-48686901-G-A. GRCh37 (hg19) VCF-style: chrX-48545290-G-A.
Other names: short protein forms R227H.
Identifiers: ClinVar variation 3367090 (VCV003367090.1).